The following is an entry in ClinVar:

ClinVar aggregate classification (germline): Uncertain significance. Review status: criteria provided, multiple submitters, no conflicts (2 of 4 stars). 2 submissions from 2 submitters: Uncertain significance (2). Last evaluated 2025-08-04.

Conditions:
Inborn genetic diseases. Identifiers: MedGen C0950123, MeSH D030342.

Allele frequency attached by ClinVar (database versions not stated): gnomAD 0.00006; 1000 Genomes Project 30x 0.00016; 1000 Genomes Project 0.00020; gnomAD exomes below 0.00001 and 0.00001; ExAC 0.00002; TOPMed 0.00003.
gnomAD v4.1: 14 of 1,614,008 alleles (0.00087%); highest among the groups gnomAD compares: African/African-American, 0.013%; no homozygotes.

Submissions (2):

Ambry Genetics
Classification: Uncertain significance for Inborn genetic diseases. Last evaluated: 2025-08-04. Review status: criteria provided, single submitter. Criteria: Ambry Variant Classification Scheme 2023. Collection method: clinical testing. Allele origin: germline.

Labcorp Genetics (formerly Invitae), Labcorp
Classification: Uncertain significance. Last evaluated: 2022-08-09. Review status: criteria provided, single submitter. Criteria: Invitae Variant Classification Sherloc (09022015). Collection method: clinical testing. Allele origin: germline.
Comment: This sequence change replaces valine, which is neutral and non-polar, with isoleucine, which is neutral and non-polar, at codon 1325 of the LAMC3 protein (p.Val1325Ile). This variant is present in population databases (rs568976823, gnomAD 0.01%). This variant has not been reported in the literature in individuals affected with LAMC3-related conditions. ClinVar contains an entry for this variant (Variation ID: 1509440). Algorithms developed to predict the effect of missense changes on protein structure and function output the following: SIFT: "Deleterious"; PolyPhen-2: "Benign"; Align-GVGD: "Class C0". The isoleucine amino acid residue is found in multiple mammalian species, which suggests that this missense change does not adversely affect protein function. In summary, the available evidence is currently insufficient to determine the role of this variant in disease. Therefore, it has been classified as a Variant of Uncertain Significance.

NM_006059.4(LAMC3):c.3973G>A (p.Val1325Ile)

Gene: LAMC3 (laminin subunit gamma 3; plus strand). Cytogenetic location: 9q34.12.
Variant type: single nucleotide variant.
Coding change: c.3973G>A on transcript NM_006059.4 (MANE Select); coding-DNA position 3973, G replaced by A.
Protein change: p.Val1325Ile; replaces valine 1325 with isoleucine.
Molecular consequence: missense variant.
Genome position (GRCh38, 1-based): chr9:131,082,104, G>A. VCF-style: chr9-131082104-G-A. GRCh37 (hg19) VCF-style: chr9-133957491-G-A.
Other names: c.3973G>A (NM_006059.3); short protein forms V1325I.
Identifiers: ClinVar variation 1509440 (VCV001509440.4), dbSNP rs568976823, ClinGen allele CA5288001.